The following is an entry in ClinVar:

NM_018297.4(NGLY1):c.1833A>C (p.Glu611Asp)

Gene: NGLY1 (N-glycanase 1; minus strand). Cytogenetic location: 3p24.2.
Variant type: single nucleotide variant.
Coding change: c.1833A>C on transcript NM_018297.4 (MANE Select); coding-DNA position 1833, A replaced by C.
Protein change: p.Glu611Asp; replaces glutamic acid 611 with aspartic acid.
Molecular consequence: missense variant.
Genome position (GRCh38, 1-based): chr3:25,719,592, T>G on the plus strand (A>C on the coding strand, the complement: NGLY1 is on the minus strand). VCF-style: chr3-25719592-T-G. GRCh37 (hg19) VCF-style: chr3-25761083-T-G.
Other names: c.1779A>C, p.Glu593Asp (NM_001145293.2); c.1707A>C, p.Glu569Asp (NM_001145294.2); c.1655A>C, p.Lys552Thr (NM_001145295.2); short protein forms E611D, K552T, E593D, E569D.
Identifiers: ClinVar variation 843773 (VCV000843773.9), dbSNP rs1704873404, ClinGen allele CA351893485.

ClinVar aggregate classification (germline): Uncertain significance (1 of 4 stars; one submission).

Conditions:
Congenital disorder of deglycosylation (CDDG). Identifiers: MedGen C3808991, MONDO:0031376.

Submission:

Labcorp Genetics (formerly Invitae), Labcorp
Classification: Uncertain significance for Congenital disorder of deglycosylation. Last evaluated: 2019-12-15. Review status: criteria provided, single submitter. Criteria: Invitae Variant Classification Sherloc (09022015). Collection method: clinical testing. Allele origin: germline.
Comment: In summary, the available evidence is currently insufficient to determine the role of this variant in disease. Therefore, it has been classified as a Variant of Uncertain Significance. Algorithms developed to predict the effect of missense changes on protein structure and function (SIFT, PolyPhen-2, Align-GVGD) all suggest that this variant is likely to be tolerated, but these predictions have not been confirmed by published functional studies and their clinical significance is uncertain. This variant has not been reported in the literature in individuals with NGLY1-related conditions. This variant is not present in population databases (ExAC no frequency). This sequence change replaces glutamic acid with aspartic acid at codon 611 of the NGLY1 protein (p.Glu611Asp). The glutamic acid residue is moderately conserved and there is a small physicochemical difference between glutamic acid and aspartic acid.